The following is an entry in ClinVar:

NM_020778.5(ALPK3):c.4455C>G (p.Phe1485Leu)

Gene: ALPK3 (alpha kinase 3; plus strand). Cytogenetic location: 15q25.3.
Variant type: single nucleotide variant.
Coding change: c.4455C>G on transcript NM_020778.5 (MANE Select); coding-DNA position 4455, C replaced by G.
Protein change: p.Phe1485Leu; replaces phenylalanine 1485 with leucine.
Molecular consequence: missense variant.
Genome position (GRCh38, 1-based): chr15:84,863,596, C>G. VCF-style: chr15-84863596-C-G. GRCh37 (hg19) VCF-style: chr15-85406827-C-G.
Other names: c.5061C>G (NM_020778.4); short protein forms F1485L.
Identifiers: ClinVar variation 1959595 (VCV001959595.6), dbSNP rs549536913, ClinGen allele CA7709972.

ClinVar aggregate classification (germline): Uncertain significance. Review status: criteria provided, multiple submitters, no conflicts (2 of 4 stars). 2 submissions from 2 submitters: Uncertain significance (2). Last evaluated 2025-12-08.

Conditions:
ALPK3-related disorder. Also called: ALPK3-related condition.

Allele frequency attached by ClinVar (database versions not stated): TOPMed 0.00002.
gnomAD v4.1: 4 of 1,613,950 alleles (0.00025%); highest among the groups gnomAD compares: African/African-American, 0.0053%; no homozygotes.

Submissions (2):

Labcorp Genetics (formerly Invitae), Labcorp
Classification: Uncertain significance. Last evaluated: 2025-12-08. Review status: criteria provided, single submitter. Criteria: Invitae Variant Classification Sherloc (09022015). Collection method: clinical testing. Allele origin: germline.
Comment: This sequence change replaces phenylalanine, which is neutral and non-polar, with leucine, which is neutral and non-polar, at codon 1687 of the ALPK3 protein (p.Phe1687Leu). This variant is present in population databases (rs549536913, gnomAD 0.007%). This variant has not been reported in the literature in individuals affected with ALPK3-related conditions. ClinVar contains an entry for this variant (Variation ID: 1959595). Invitae Evidence Modeling of protein sequence and biophysical properties (such as structural, functional, and spatial information, amino acid conservation, physicochemical variation, residue mobility, and thermodynamic stability) indicates that this missense variant is expected to disrupt ALPK3 protein function with a positive predictive value of 80%. In summary, the available evidence is currently insufficient to determine the role of this variant in disease. Therefore, it has been classified as a Variant of Uncertain Significance.

PreventionGenetics, part of Exact Sciences
Classification: Uncertain significance for ALPK3-related condition. Last evaluated: 2025-05-13. Review status: criteria provided, single submitter. Criteria: ACMG Guidelines, 2015. Collection method: clinical testing. Allele origin: germline.
Comment: The ALPK3 c.5061C>G variant is predicted to result in the amino acid substitution p.Phe1687Leu. To our knowledge, this variant has not been reported in the literature. This variant is reported in 0.0062% of alleles in individuals of African descent in gnomAD. At this time, the clinical significance of this variant is uncertain due to the absence of conclusive functional and genetic evidence.